The following is an entry in ClinVar:

ClinVar aggregate classification (germline): Uncertain significance (1 of 4 stars; one submission).

Submission:

CeGaT Center for Human Genetics Tuebingen
Classification: Uncertain significance. Last evaluated: 2024-08-01. Review status: criteria provided, single submitter. Criteria: CeGaT Center For Human Genetics Tuebingen Variant Classification Criteria Version 2. Collection method: clinical testing. Allele origin: germline. Affected: yes. Observed: 1 variant allele.
Comment: CHD3: PM2

NM_001005273.3(CHD3):c.5815C>G (p.Pro1939Ala)

Gene: CHD3 (chromodomain helicase DNA binding protein 3; plus strand). Cytogenetic location: 17p13.1.
Variant type: single nucleotide variant.
Coding change: c.5815C>G on transcript NM_001005273.3 (MANE Select); coding-DNA position 5815, C replaced by G.
Protein change: p.Pro1939Ala; replaces proline 1939 with alanine.
Molecular consequence: missense variant.
Genome position (GRCh38, 1-based): chr17:7,910,907, C>G. VCF-style: chr17-7910907-C-G. GRCh37 (hg19) VCF-style: chr17-7814225-C-G.
Other names: c.5992C>G, p.Pro1998Ala (NM_001005271.3); c.5713C>G, p.Pro1905Ala (NM_005852.4); short protein forms P1905A, P1939A, P1998A.
Identifiers: ClinVar variation 3342100 (VCV003342100.16).